The following is an entry in ClinVar:

NM_194248.3(OTOF):c.641A>G (p.Asp214Gly)

Gene: OTOF (otoferlin; minus strand). Cytogenetic location: 2p23.3.
Variant type: single nucleotide variant.
Coding change: c.641A>G on transcript NM_194248.3 (MANE Select); coding-DNA position 641, A replaced by G.
Protein change: p.Asp214Gly; replaces aspartic acid 214 with glycine.
Molecular consequence: missense variant.
Genome position (GRCh38, 1-based): chr2:26,502,369, T>C on the plus strand (A>G on the coding strand, the complement: OTOF is on the minus strand). VCF-style: chr2-26502369-T-C. GRCh37 (hg19) VCF-style: chr2-26725237-T-C.
Other names: c.641A>G, p.Asp214Gly (NM_001287489.2); c.641A>G (NM_194248.2); short protein forms D214G.
Identifiers: ClinVar variation 1370747 (VCV001370747.28), dbSNP rs773263831, ClinGen allele CA1564565.
Genomic context (GRCh38, chr2:26,502,369, plus strand): 5'-GAGACATTAGTGGTGAGAGCTGTGACTGAGGCTAGAGACACCGAGTCGGGATCCAGTCCA[T>C]CTCCTAGCCGAATGGCCAGATGGTCAAGGTCTTCCATCTCCAGCACCGCCGGTTCATCTG-3'
Protein context (NP_919224.1, residues 204-224): DLDHLAIRLG[Asp214Gly]GLDPDSVSLA

ClinVar aggregate classification (germline): Uncertain significance. Review status: criteria provided, multiple submitters, no conflicts (2 of 4 stars). 3 submissions from 3 submitters: Uncertain significance (3). Last evaluated 2024-10-24.

Conditions:
Inborn genetic diseases. Identifiers: MedGen C0950123, MeSH D030342.

Allele frequency attached by ClinVar (database versions not stated): ExAC 0.00001; TOPMed 0.00002; gnomAD exomes 0.00003 and 0.00004; gnomAD 0.00004.
gnomAD v4.1: 56 of 1,613,740 alleles (0.0035%); highest among the groups gnomAD compares: Non-Finnish European, 0.0027%; no homozygotes.

Submissions (3):

Labcorp Genetics (formerly Invitae), Labcorp
Classification: Uncertain significance. Last evaluated: 2024-10-24. Review status: criteria provided, single submitter. Criteria: Invitae Variant Classification Sherloc (09022015). Collection method: clinical testing. Allele origin: germline.
Comment: This sequence change replaces aspartic acid, which is acidic and polar, with glycine, which is neutral and non-polar, at codon 214 of the OTOF protein (p.Asp214Gly). This variant is present in population databases (rs773263831, gnomAD 0.04%). This variant has not been reported in the literature in individuals affected with OTOF-related conditions. ClinVar contains an entry for this variant (Variation ID: 1370747). Invitae Evidence Modeling of protein sequence and biophysical properties (such as structural, functional, and spatial information, amino acid conservation, physicochemical variation, residue mobility, and thermodynamic stability) indicates that this missense variant is not expected to disrupt OTOF protein function with a negative predictive value of 95%. In summary, the available evidence is currently insufficient to determine the role of this variant in disease. Therefore, it has been classified as a Variant of Uncertain Significance.

CeGaT Center for Human Genetics Tuebingen
Classification: Uncertain significance. Last evaluated: 2022-12-01. Review status: criteria provided, single submitter. Criteria: CeGaT Center For Human Genetics Tuebingen Variant Classification Criteria Version 2. Collection method: clinical testing. Allele origin: germline. Affected: yes. Observed: 1 variant allele.
Comment: OTOF: PM2, BP4

Ambry Genetics
Classification: Uncertain significance for Inborn genetic diseases. Last evaluated: 2021-08-12. Review status: criteria provided, single submitter. Criteria: Ambry Variant Classification Scheme 2023. Collection method: clinical testing. Allele origin: germline.